The following is an entry in ClinVar:

NM_003632.3(CNTNAP1):c.4073C>T (p.Ala1358Val)

Genes: CNTNAP1 (contactin associated protein 1; plus strand), LOC128669077 (EZH1 +46 kb erythroid enhancer; plus strand). Cytogenetic location: 17q21.2.
Variant type: single nucleotide variant.
Coding change: c.4073C>T on transcript NM_003632.3 (MANE Select); coding-DNA position 4073, C replaced by T.
Protein change: p.Ala1358Val; replaces alanine 1358 with valine.
Molecular consequence: missense variant.
Genome position (GRCh38, 1-based): chr17:42,698,828, C>T. VCF-style: chr17-42698828-C-T. GRCh37 (hg19) VCF-style: chr17-40850846-C-T.
Other names: short protein forms A1358V.
Identifiers: ClinVar variation 3375933 (VCV003375933.1).
Genomic context (GRCh38, chr17:42,698,828, plus strand): 5'-GCCCTGCCCAGGTCCCCACCCCTACAGCAGCTCCCAACCAAGCTCCAGCCTCAGCCCCAG[C>T]CCCAGCCCCAACTCCAGCCCCAGCCCCTGGCCCCCGGGATCAGAACCTACCCCAGATCCT-3'
Protein context (NP_003623.1, residues 1348-1368): APNQAPASAP[Ala1358Val]PAPTPAPAPG

ClinVar aggregate classification (germline): Uncertain significance (1 of 4 stars; one submission).

gnomAD v4.1: 17 of 1,601,956 alleles (0.0011%); highest among the groups gnomAD compares: African/African-American, 0.017%; no homozygotes.

Submission:

GeneDx
Classification: Uncertain significance. Last evaluated: 2024-05-06. Review status: criteria provided, single submitter. Criteria: GeneDx Variant Classification Process June 2021. Collection method: clinical testing. Allele origin: germline. Affected: yes.
Comment: Not observed at significant frequency in large population cohorts (gnomAD); In silico analysis indicates that this missense variant does not alter protein structure/function; Has not been previously published as pathogenic or benign to our knowledge